The following is an entry in ClinVar:

ClinVar aggregate classification (germline): Likely benign. Review status: criteria provided, multiple submitters, no conflicts (2 of 4 stars). 2 submissions from 2 submitters: Likely benign (2). Last evaluated 2024-10-04.

Allele frequency attached by ClinVar (database versions not stated): gnomAD 0.00001; gnomAD exomes 0.00001; ExAC 0.00002; TOPMed 0.00003.
gnomAD v4.1: 14 of 1,613,922 alleles (0.00087%); highest among the groups gnomAD compares: South Asian, 0.0066%; no homozygotes.

Submissions (2):

Labcorp Genetics (formerly Invitae), Labcorp
Classification: Likely benign. Last evaluated: 2024-10-04. Review status: criteria provided, single submitter. Criteria: Invitae Variant Classification Sherloc (09022015). Collection method: clinical testing. Allele origin: germline.

CeGaT Center for Human Genetics Tuebingen
Classification: Likely benign. Last evaluated: 2023-02-01. Review status: criteria provided, single submitter. Criteria: CeGaT Center For Human Genetics Tuebingen Variant Classification Criteria Version 2. Collection method: clinical testing. Allele origin: germline. Affected: yes. Observed: 1 variant allele.
Comment: MICAL1: BP4, BP7

NM_022765.4(MICAL1):c.1578G>A (p.Pro526=)

Gene: MICAL1 (microtubule associated monooxygenase, calponin and LIM domain containing 1; minus strand). Cytogenetic location: 6q21.
Variant type: single nucleotide variant.
Coding change: c.1578G>A on transcript NM_022765.4 (MANE Select); coding-DNA position 1578, G replaced by A.
Protein change: p.Pro526=; no amino-acid change (proline 526 retained).
Molecular consequence: synonymous variant.
Genome position (GRCh38, 1-based): chr6:109,448,818, C>T on the plus strand (G>A on the coding strand, the complement: MICAL1 is on the minus strand). VCF-style: chr6-109448818-C-T. GRCh37 (hg19) VCF-style: chr6-109770021-C-T.
Other names: c.1320G>A, p.Pro440= (NM_001159291.2); c.1635G>A, p.Pro545= (NM_001286613.2).
Identifiers: ClinVar variation 2656827 (VCV002656827.26), dbSNP rs747705167, ClinGen allele CA3953296.